The following is an entry in ClinVar:

NM_000061.3(BTK):c.-31+5G>T

Gene: BTK (Bruton tyrosine kinase; minus strand). Cytogenetic location: Xq22.1.
Variant type: single nucleotide variant.
Coding change: c.-31+5G>T on transcript NM_000061.3 (MANE Select); 5 bases into the intron after 31 bases upstream of the start codon, G replaced by T.
Molecular consequence: intron variant.
Genome position (GRCh38, 1-based): chrX:101,386,057, C>A on the plus strand (G>T on the coding strand, the complement: BTK is on the minus strand). VCF-style: chrX-101386057-C-A. GRCh37 (hg19) VCF-style: chrX-100641045-C-A.
Other names: c.72+4421G>T (NM_001287344.2); c.-196+5G>T (NM_001287345.2).
Identifiers: ClinVar variation 429383 (VCV000429383.2), dbSNP rs1131691354, ClinGen allele CA645369759.

ClinVar aggregate classification (germline): Likely pathogenic (1 of 4 stars; one submission).

Submission:

GeneDx
Classification: Likely pathogenic. Last evaluated: 2017-05-05. Review status: criteria provided, single submitter. Criteria: GeneDx Variant Classification (06012015). Collection method: clinical testing. Allele origin: germline. Affected: yes.
Comment: The c.-31+5 G>T splice site variant in the BTK gene has been previously reported in association with X-linked agammaglobulinemia (Shin et al., 2008). In silico splice prediction models predict that c.-31+5 G>T damages the natural splice donor site for intron 1; however, the adjacent exon 1 is non-coding. Functional studies have shown that the c.-31+5 G>T variant reduces transcriptional activity and the expression of the BTK protein (Shin et al., 2008). In summary, we consider this variant to be likely pathogenic.